The following is an entry in ClinVar:

ClinVar aggregate classification (germline): Likely pathogenic (1 of 4 stars; one submission).

Submission:

Labcorp Genetics (formerly Invitae), Labcorp
Classification: Likely pathogenic. Last evaluated: 2021-07-09. Review status: criteria provided, single submitter. Criteria: Invitae Variant Classification Sherloc (09022015). Collection method: clinical testing. Allele origin: germline.
Comment: In summary, the currently available evidence indicates that the variant is pathogenic, but additional data are needed to prove that conclusively. Therefore, this variant has been classified as Likely Pathogenic. This variant disrupts the p.Tyr279 amino acid residue in ALDH3A2. Other variant(s) that disrupt this residue have been determined to be pathogenic (PMID: 10577908, 10854114, 24101836). This suggests that this residue is clinically significant, and that variants that disrupt this residue are likely to be disease-causing. Advanced modeling of protein sequence and biophysical properties (such as structural, functional, and spatial information, amino acid conservation, physicochemical variation, residue mobility, and thermodynamic stability) performed at Invitae indicates that this missense variant is expected to disrupt ALDH3A2 protein function. This variant has not been reported in the literature in individuals affected with ALDH3A2-related conditions. This variant is not present in population databases (ExAC no frequency). This sequence change replaces tyrosine with histidine at codon 279 of the ALDH3A2 protein (p.Tyr279His). The tyrosine residue is highly conserved and there is a moderate physicochemical difference between tyrosine and histidine.

Literature cited by the submitters: PubMed 10577908; PubMed 10854114; PubMed 24101836.

NM_000382.3(ALDH3A2):c.835T>C (p.Tyr279His)

Gene: ALDH3A2 (aldehyde dehydrogenase 3 family member A2; plus strand). Cytogenetic location: 17p11.2.
Variant type: single nucleotide variant.
Coding change: c.835T>C on transcript NM_000382.3 (MANE Select); coding-DNA position 835, T replaced by C.
Protein change: p.Tyr279His; replaces tyrosine 279 with histidine.
Molecular consequence: missense variant.
Genome position (GRCh38, 1-based): chr17:19,661,163, T>C. VCF-style: chr17-19661163-T-C. GRCh37 (hg19) VCF-style: chr17-19564476-T-C.
Other names: c.835T>C, p.Tyr279His (NM_001031806.2, NM_001369136.1, NM_001369137.2 and 3 more transcripts); c.256T>C, p.Tyr86His (NM_001369148.2); short protein forms Y86H, Y279H.
Identifiers: ClinVar variation 1492410 (VCV001492410.8), dbSNP rs72547570, ClinGen allele CA398709147.